The following is an entry in ClinVar:

ClinVar aggregate classification (germline): Uncertain significance. Review status: criteria provided, multiple submitters, no conflicts (2 of 4 stars). 3 submissions from 3 submitters: Uncertain significance (3). Last evaluated 2025-04-19.

Conditions:
Familial thoracic aortic aneurysm and aortic dissection (TAAD). Also called: Thoracic aortic aneurysms and dissections. Identifiers: Orphanet 91387, MedGen C4707243, MONDO:0019625.

gnomAD v4.1: 2 of 1,614,112 alleles (0.00012%); highest among the groups gnomAD compares: Non-Finnish European, 0.00017%; no homozygotes.

Submissions (3):

Ambry Genetics
Classification: Uncertain significance for Familial thoracic aortic aneurysm and aortic dissection. Last evaluated: 2025-04-19. Review status: criteria provided, single submitter. Criteria: Ambry Variant Classification Scheme 2023. Collection method: clinical testing. Allele origin: germline.
Comment: The p.D1493G variant (also known as c.4478A>G), located in coding exon 36 of the FBN1 gene, results from an A to G substitution at nucleotide position 4478. The aspartic acid at codon 1493 is replaced by glycine, an amino acid with similar properties. This variant was reported in individual(s) with features consistent with aortic dilation (Ambry internal data). This amino acid position is highly conserved in available vertebrate species. In addition, this alteration is predicted to be deleterious by in silico analysis. Based on the available evidence, the clinical significance of this variant remains unclear.

GeneDx
Classification: Uncertain significance. Last evaluated: 2025-03-21. Review status: criteria provided, single submitter. Criteria: GeneDx Variant Classification Process June 2021. Collection method: clinical testing. Allele origin: germline. Affected: yes.
Comment: Not observed at significant frequency in large population cohorts (gnomAD); Does not affect a cysteine or calcium-binding residue within an EGF-like domain or a TGF-binding protein domain of the FBN1 gene; cysteine substitutions in the EGF-like domains represent the majority of pathogenic missense changes associated with FBN1-related disorders (PMID: 12938084); In silico analysis supports that this missense variant has a deleterious effect on protein structure/function; Has not been previously published as pathogenic or benign to our knowledge; This variant is associated with the following publications: (PMID: 12938084)

Color Diagnostics, LLC DBA Color Health
Classification: Uncertain significance for Familial thoracic aortic aneurysm and aortic dissection. Last evaluated: 2023-12-05. Review status: criteria provided, single submitter. Criteria: ACMG Guidelines, 2015. Collection method: clinical testing. Allele origin: germline.
Comment: Variant of Uncertain Significance due to insufficient evidence: This missense variant is located in the calcium-binding EGF-like motif 26 of the FBN1 protein. Computational prediction tools and conservation analyses suggest that this variant may have deleterious impact on the protein function. Computational splicing tools suggest that this variant may not impact RNA splicing. To our knowledge, functional assays have not been performed for this variant nor has this variant been reported in individuals affected with cardiovascular disorders in the literature. This variant is rare in the general population and has been identified in 0/277264 chromosomes by the Genome Aggregation Database (gnomAD). Available evidence is insufficient to determine the pathogenicity of this variant conclusively.

NM_000138.5(FBN1):c.4478A>G (p.Asp1493Gly)

Gene: FBN1 (fibrillin 1; minus strand). Cytogenetic location: 15q21.1.
Variant type: single nucleotide variant.
Coding change: c.4478A>G on transcript NM_000138.5 (MANE Select); coding-DNA position 4478, A replaced by G.
Protein change: p.Asp1493Gly; replaces aspartic acid 1493 with glycine.
Molecular consequence: missense variant.
Genome position (GRCh38, 1-based): chr15:48,468,516, T>C on the plus strand (A>G on the coding strand, the complement: FBN1 is on the minus strand). VCF-style: chr15-48468516-T-C. GRCh37 (hg19) VCF-style: chr15-48760713-T-C.
Other names: short protein forms D1493G.
Identifiers: ClinVar variation 925320 (VCV000925320.7), dbSNP rs1597549141, ClinGen allele CA392353784.